The following is an entry in ClinVar:

ClinVar aggregate classification (germline): Uncertain significance (1 of 4 stars; one submission).

Conditions:
Regional enteritis. Also called: Enteritis, Granulomatous. Identifiers: MedGen C0678202, MeSH D003424.
Blau syndrome (BLAUS). Also called: ARTHROCUTANEOUVEAL GRANULOMATOSIS; GRANULOMATOSIS, FAMILIAL JUVENILE SYSTEMIC; GRANULOMATOSIS, FAMILIAL, BLAU TYPE; GRANULOMATOUS INFLAMMATORY ARTHRITIS, DERMATITIS, AND UVEITIS, FAMILIAL; JABS SYNDROME. Identifiers: Orphanet 90340, MedGen C5201146, MONDO:0008523, OMIM 186580.

Submission:

Labcorp Genetics (formerly Invitae), Labcorp
Classification: Uncertain significance for Regional enteritis; Blau syndrome. Last evaluated: 2025-06-15. Review status: criteria provided, single submitter. Criteria: Invitae Variant Classification Sherloc (09022015). Collection method: clinical testing. Allele origin: germline.
Comment: This sequence change replaces glycine, which is neutral and non-polar, with valine, which is neutral and non-polar, at codon 738 of the NOD2 protein (p.Gly738Val). This variant is not present in population databases (gnomAD no frequency). This variant has not been reported in the literature in individuals affected with NOD2-related conditions. Invitae Evidence Modeling of protein sequence and biophysical properties (such as structural, functional, and spatial information, amino acid conservation, physicochemical variation, residue mobility, and thermodynamic stability) indicates that this missense variant is not expected to disrupt NOD2 protein function with a negative predictive value of 95%. In summary, the available evidence is currently insufficient to determine the role of this variant in disease. Therefore, it has been classified as a Variant of Uncertain Significance.

NM_001370466.1(NOD2):c.2132G>T (p.Gly711Val)

Gene: NOD2 (nucleotide binding oligomerization domain containing 2; plus strand). Cytogenetic location: 16q12.1.
Variant type: single nucleotide variant.
Coding change: c.2132G>T on transcript NM_001370466.1 (MANE Select); coding-DNA position 2132, G replaced by T.
Protein change: p.Gly711Val; replaces glycine 711 with valine.
Molecular consequence: missense variant. On other transcripts: non-coding transcript variant (1).
Genome position (GRCh38, 1-based): chr16:50,712,124, G>T. VCF-style: chr16-50712124-G-T. GRCh37 (hg19) VCF-style: chr16-50746035-G-T.
Other names: c.2132G>T, p.Gly711Val (NM_001293557.2); c.2213G>T, p.Gly738Val (NM_022162.3); short protein forms G711V, G738V.
Identifiers: ClinVar variation 4789782 (VCV004789782.1).